The following is an entry in ClinVar:

NM_002473.6(MYH9):c.3886T>G (p.Ser1296Ala)

Gene: MYH9 (myosin heavy chain 9; minus strand). Cytogenetic location: 22q12.3.
Variant type: single nucleotide variant.
Coding change: c.3886T>G on transcript NM_002473.6 (MANE Select); coding-DNA position 3886, T replaced by G.
Protein change: p.Ser1296Ala; replaces serine 1296 with alanine.
Molecular consequence: missense variant.
Genome position (GRCh38, 1-based): chr22:36,293,815, A>C on the plus strand (T>G on the coding strand, the complement: MYH9 is on the minus strand). VCF-style: chr22-36293815-A-C. GRCh37 (hg19) VCF-style: chr22-36689861-A-C.
Other names: short protein forms S1296A.
Identifiers: ClinVar variation 2768083 (VCV002768083.3), dbSNP rs1350431268, ClinGen allele CA411385338.
Genomic context (GRCh38, chr22:36,293,815, plus strand): 5'-CTACCTGAGTGTCCTGCAGCTGGGACTCCAGCGCGGAGAAGTCCTTGGTGAGCTTGCTGG[A>C]CTTGCTGTCGGACTGGCTGAGAAGCCCGGTCACGTTGTCCAGCTCCACCTGCACCGGGCG-3'
Protein context (NP_002464.1, residues 1286-1306): TGLLSQSDSK[Ser1296Ala]SKLTKDFSAL

ClinVar aggregate classification (germline): Uncertain significance (1 of 4 stars; one submission).

gnomAD v4.1: 9 of 1,613,882 alleles (0.00056%); highest among the groups gnomAD compares: Non-Finnish European, 0.00076%; no homozygotes.

Submission:

Labcorp Genetics (formerly Invitae), Labcorp
Classification: Uncertain significance. Last evaluated: 2023-11-16. Review status: criteria provided, single submitter. Criteria: Invitae Variant Classification Sherloc (09022015). Collection method: clinical testing. Allele origin: germline.
Comment: This sequence change replaces serine, which is neutral and polar, with alanine, which is neutral and non-polar, at codon 1296 of the MYH9 protein (p.Ser1296Ala). This variant is not present in population databases (gnomAD no frequency). This variant has not been reported in the literature in individuals affected with MYH9-related conditions. Advanced modeling of protein sequence and biophysical properties (such as structural, functional, and spatial information, amino acid conservation, physicochemical variation, residue mobility, and thermodynamic stability) performed at Invitae indicates that this missense variant is not expected to disrupt MYH9 protein function with a negative predictive value of 95%. In summary, the available evidence is currently insufficient to determine the role of this variant in disease. Therefore, it has been classified as a Variant of Uncertain Significance.